The following is an entry in ClinVar:

ClinVar aggregate classification (germline): Likely benign. Review status: criteria provided, single submitter (1 of 4 stars). 2 submissions from 2 submitters: Likely benign (1). 1 of the submissions does not count toward it. Last evaluated 2025-11-18.

Conditions:
DYNC1H1-related disorder. Also called: DYNC1H1-related condition; DYNC1H1-related disorders. Identifiers: MedGen CN381529.
Charcot-Marie-Tooth disease axonal type 2O. Also called: CHARCOT-MARIE-TOOTH NEUROPATHY, AXONAL, TYPE 2O; CHARCOT-MARIE-TOOTH DISEASE, AXONAL, AUTOSOMAL DOMINANT, TYPE 2O; Charcot-Marie-Tooth Neuropathy Type 2O; Charcot-Marie-Tooth disease, axonal, type 20. Identifiers: Orphanet 284232, MedGen C3280220, MONDO:0013644, OMIM 614228.

Allele frequency attached by ClinVar (database versions not stated): gnomAD exomes 0.00001 and 0.00002; ExAC 0.00002; TOPMed 0.00002; gnomAD 0.00003; ESP Exome Variant Server 0.00008.
gnomAD v4.1: 10 of 1,614,020 alleles (0.00062%); highest among the groups gnomAD compares: African/African-American, 0.004%; no homozygotes.

Submissions (2):

Labcorp Genetics (formerly Invitae), Labcorp
Classification: Likely benign for Charcot-Marie-Tooth disease axonal type 2O. Last evaluated: 2025-11-18. Review status: criteria provided, single submitter. Criteria: Invitae Variant Classification Sherloc (09022015). Collection method: clinical testing. Allele origin: germline.

PreventionGenetics, part of Exact Sciences
Classification: Likely benign for DYNC1H1-related condition. Last evaluated: 2024-07-22. Review status: no assertion criteria provided. Collection method: clinical testing. Allele origin: germline. Not counted in ClinVar's aggregate classification.
Comment: This variant is classified as likely benign based on ACMG/AMP sequence variant interpretation guidelines (Richards et al. 2015 PMID: 25741868, with internal and published modifications).

NM_001376.5(DYNC1H1):c.4866G>A (p.Glu1622=)

Gene: DYNC1H1 (dynein cytoplasmic 1 heavy chain 1; plus strand). Cytogenetic location: 14q32.31.
Variant type: single nucleotide variant.
Coding change: c.4866G>A on transcript NM_001376.5 (MANE Select); coding-DNA position 4866, G replaced by A.
Protein change: p.Glu1622=; no amino-acid change (glutamic acid 1622 retained).
Molecular consequence: synonymous variant.
Genome position (GRCh38, 1-based): chr14:102,002,948, G>A. VCF-style: chr14-102002948-G-A. GRCh37 (hg19) VCF-style: chr14-102469285-G-A.
Identifiers: ClinVar variation 701636 (VCV000701636.11), dbSNP rs376805489, ClinGen allele CA7352315.
Genomic context (GRCh38, chr14:102,002,948, plus strand): 5'-AAGATTGGCAGACCTGCTAGGAAAGATCCAGAAAGCATTGGGAGAATATCTGGAAAGAGA[G>A]CGGTCATCTTTCCCCAGGTAAGATCCTTGCTTTGACTTGGCCTGGAGTCAAGTTGAATTT-3'
Protein context (NP_001367.2, residues 1612-1632): QKALGEYLER[Glu1622=]RSSFPRFYFV